The following is an entry in ClinVar:

NM_177438.3(DICER1):c.757dup (p.Ile253fs)

Gene: DICER1 (dicer 1, ribonuclease III; minus strand). Cytogenetic location: 14q32.13.
Variant type: Duplication.
Coding change: c.757dup on transcript NM_177438.3 (MANE Select); coding-DNA position 757, one base duplicated (A; older notation c.757dupA).
Protein change: p.Ile253fs; shifts the reading frame from isoleucine 253.
Molecular consequence: frameshift variant.
Genome position (GRCh38, 1-based): chr14:95,126,726, T duplicated on the plus strand (A on the coding strand, the reverse complement: DICER1 is on the minus strand). VCF-style (leftmost placement, unchanged base first): chr14-95126725-A-AT. GRCh37 (hg19) VCF-style: chr14-95593062-A-AT.
Other names: c.757dupA (NM_177438.2); c.757dup, p.Ile253fs (NM_001195573.1, NM_001271282.3, NM_001291628.2 and 1 more transcripts); short protein forms I253fs.
Identifiers: ClinVar variation 543554 (VCV000543554.8), dbSNP rs1555375356, ClinGen allele CA658798260.

ClinVar aggregate classification (germline): Pathogenic (1 of 4 stars; one submission).

Conditions:
DICER1-related tumor predisposition. Also called: DICER1-related pleuropulmonary blastoma cancer predisposition syndrome; DICER1 syndrome. Identifiers: Orphanet 284343, MedGen C3839822, MONDO:0100216.

Submission:

Labcorp Genetics (formerly Invitae), Labcorp
Classification: Pathogenic for DICER1-related tumor predisposition. Last evaluated: 2018-01-31. Review status: criteria provided, single submitter. Criteria: Invitae Variant Classification Sherloc (09022015). Collection method: clinical testing. Allele origin: germline.
Comment: Loss-of-function variants in DICER1 are known to be pathogenic (PMID: 19556464, 21266384). For these reasons, this variant has been classified as Pathogenic. This variant has not been reported in the literature in individuals with DICER1-related disease. This sequence change creates a premature translational stop signal (p.Ile253Asnfs*10) in the DICER1 gene. It is expected to result in an absent or disrupted protein product. This variant is not present in population databases (ExAC no frequency).

Literature cited by the submitters: PubMed 19556464; PubMed 21266384.